The following is an entry in ClinVar:

NM_000138.5(FBN1):c.5927A>C (p.Glu1976Ala)

Gene: FBN1 (fibrillin 1; minus strand). Cytogenetic location: 15q21.1.
Variant type: single nucleotide variant.
Coding change: c.5927A>C on transcript NM_000138.5 (MANE Select); coding-DNA position 5927, A replaced by C.
Protein change: p.Glu1976Ala; replaces glutamic acid 1976 with alanine.
Molecular consequence: missense variant.
Genome position (GRCh38, 1-based): chr15:48,444,651, T>G on the plus strand (A>C on the coding strand, the complement: FBN1 is on the minus strand). VCF-style: chr15-48444651-T-G. GRCh37 (hg19) VCF-style: chr15-48736848-T-G.
Other names: short protein forms E1976A.
Identifiers: ClinVar variation 519761 (VCV000519761.9), dbSNP rs1555395665, ClinGen allele CA392339887.
Genomic context (GRCh38, chr15:48,444,651, plus strand): 5'-TAGGACCCATCCAAGTTTTGACAGGTACCTGGTGCACATTTTCTGGGTTCTAGAAGACAT[T>G]CATTGATATCTGCAAAGAAAAGGGAAAAATAAGGAAGAGGTTCCCACTGGCATGACTTCC-3'
Protein context (NP_000129.3, residues 1966-1986): PDGRTCVDIN[Glu1976Ala]CLLEPRKCAP

ClinVar aggregate classification (germline): Pathogenic/Likely pathogenic. Review status: criteria provided, multiple submitters, no conflicts (2 of 4 stars). 2 submissions from 2 submitters: Pathogenic (1); Likely pathogenic (1). Last evaluated 2026-03-05.

Conditions:
Familial thoracic aortic aneurysm and aortic dissection (TAAD). Also called: Thoracic aortic aneurysms and dissections. Identifiers: Orphanet 91387, MedGen C4707243, MONDO:0019625.
Marfan syndrome (MFS). Also called: Marfan syndrome type 1; Marfan syndrome, classic; Marfan's syndrome; FBN1-Related Marfan Syndrome; MARFAN SYNDROME, TYPE I. Identifiers: Orphanet 284963, Orphanet 558, MedGen C0024796, MONDO:0007947, OMIM 154700.

Submissions (2):

Ambry Genetics
Classification: Likely pathogenic for Familial thoracic aortic aneurysm and aortic dissection. Last evaluated: 2026-03-05. Review status: criteria provided, single submitter. Criteria: Ambry Variant Classification Scheme 2023. Collection method: clinical testing. Allele origin: germline.
Comment: The p.E1976A variant (also known as c.5927A>C), located in coding exon 48 of the FBN1 gene, results from an A to C substitution at nucleotide position 5927. The glutamic acid at codon 1976 is replaced by alanine, an amino acid with dissimilar properties. This variant was reported in individual(s) with features consistent with Marfan syndrome and related fibrillinopathies; in at least one individual, it was determined to be de novo (Ambry internal data; external communication). Based on internal structural assessment, this alteration will disrupt the conserved Ca-binding motif in cbEGF domain #30 (Downing AK et al. Cell, 1996 May;85:597-605). This amino acid position is highly conserved in available vertebrate species. In addition, this alteration is predicted to be deleterious by in silico analysis. This variant is considered to be rare based on population cohorts in the Genome Aggregation Database (gnomAD). Based on the majority of available evidence to date, this variant is likely to be pathogenic.

Labcorp Genetics (formerly Invitae), Labcorp
Classification: Pathogenic for Marfan syndrome; Familial thoracic aortic aneurysm and aortic dissection. Last evaluated: 2024-02-05. Review status: criteria provided, single submitter. Criteria: Invitae Variant Classification Sherloc (09022015). Collection method: clinical testing. Allele origin: germline.
Comment: This sequence change replaces glutamic acid, which is acidic and polar, with alanine, which is neutral and non-polar, at codon 1976 of the FBN1 protein (p.Glu1976Ala). This variant is not present in population databases (gnomAD no frequency). This missense change has been observed in individual(s) with clinical features of Marfan syndrome (Invitae). In at least one individual the variant was observed to be de novo. ClinVar contains an entry for this variant (Variation ID: 519761). Advanced modeling of protein sequence and biophysical properties (such as structural, functional, and spatial information, amino acid conservation, physicochemical variation, residue mobility, and thermodynamic stability) performed at Invitae indicates that this missense variant is expected to disrupt FBN1 protein function with a positive predictive value of 95%. This variant disrupts the p.Glu1976 amino acid residue in FBN1. Other variant(s) that disrupt this residue have been observed in individuals with FBN1-related conditions (PMID: 21542060; Invitae), which suggests that this may be a clinically significant amino acid residue. For these reasons, this variant has been classified as Pathogenic.

Literature cited by the submitters: PubMed 17627385 (cited by Ambry Genetics); PubMed 21542060 (cited by Ambry Genetics and Labcorp Genetics (formerly Invitae), Labcorp); PubMed 21895641 (cited by Ambry Genetics); PubMed 8653794 (cited by Ambry Genetics).